The following is an entry in ClinVar:

ClinVar aggregate classification (germline): Conflicting classifications of pathogenicity. Review status: criteria provided, conflicting classifications (1 of 4 stars). 2 submissions from 2 submitters: Likely pathogenic (1); Uncertain significance (1). Last evaluated 2024-08-14.

Conditions:
Ehlers-Danlos syndrome, type 4 (EDSVASC). Also called: Ehlers-Danlos syndrome vascular type; Ehlers Danlos syndrome, ecchymotic type; Ehlers Danlos syndrome, arterial type; Ehlers Danlos syndrome, Sack-Barabas type; Ehlers-Danlos Syndrome Type IV. Identifiers: Orphanet 286, MedGen C0268338, MONDO:0017314, OMIM 130050.

Submissions (2):

Laboratorio de Genética Hospitales Universitarios Virgen de las Nieves y Clínico San Cecilio (Granada, Spain), Hospitales Universitarios Virgen de las Nieves y Clínico San Cecilio (Granada, Spain)
Classification: Likely pathogenic for Ehlers-Danlos syndrome, type 4. Last evaluated: 2024-08-14. Review status: criteria provided, single submitter. Criteria: ACMG Guidelines, 2015. Collection method: clinical testing. Allele origin: paternal. Inheritance: Autosomal dominant inheritance. Affected: yes. Observed: 1 heterozygote.
Comment: This variant is located in a mutational hot spot in a critical and well-established protein functional domain. It has extremely low frequency in gnomAD population databases. Computational prediction tools unanimously support a deleterious effect on the gene. In Clinvar was found like pathogenic variant with a different amino acid change at same codon (chr2:189873705:G>A) (PMID:25758994)

Labcorp Genetics (formerly Invitae), Labcorp
Classification: Uncertain significance for Ehlers-Danlos syndrome, type 4. Last evaluated: 2022-02-20. Review status: criteria provided, single submitter. Criteria: Invitae Variant Classification Sherloc (09022015). Collection method: clinical testing. Allele origin: germline.
Comment: In summary, the available evidence is currently insufficient to determine the role of this variant in disease. Therefore, it has been classified as a Variant of Uncertain Significance. Advanced modeling of protein sequence and biophysical properties (such as structural, functional, and spatial information, amino acid conservation, physicochemical variation, residue mobility, and thermodynamic stability) performed at Invitae indicates that this missense variant is expected to disrupt COL3A1 protein function. This variant has not been reported in the literature in individuals affected with COL3A1-related conditions. This variant is not present in population databases (gnomAD no frequency). This sequence change replaces glycine, which is neutral and non-polar, with arginine, which is basic and polar, at codon 1194 of the COL3A1 protein (p.Gly1194Arg).

NM_000090.4(COL3A1):c.3580G>C (p.Gly1194Arg)

Gene: COL3A1 (collagen type III alpha 1 chain; plus strand). Cytogenetic location: 2q32.2.
Variant type: single nucleotide variant.
Coding change: c.3580G>C on transcript NM_000090.4 (MANE Select); coding-DNA position 3580, G replaced by C.
Protein change: p.Gly1194Arg; replaces glycine 1194 with arginine.
Molecular consequence: missense variant.
Genome position (GRCh38, 1-based): chr2:189,008,978, G>C. VCF-style: chr2-189008978-G-C. GRCh37 (hg19) VCF-style: chr2-189873704-G-C.
Other names: short protein forms G1194R.
Identifiers: ClinVar variation 1932273 (VCV001932273.7), dbSNP rs2469165958, ClinGen allele CA349846673.